The following is an entry in ClinVar:

NM_001394531.1(WDFY4):c.2894_2902del (p.Gly965_Pro968delinsAla)

Gene: WDFY4 (WDFY family member 4; plus strand). Cytogenetic location: 10q11.23.
Variant type: Deletion.
Coding change: c.2894_2902del on transcript NM_001394531.1 (MANE Select); coding-DNA positions 2894 to 2902, 9 bases deleted (GGCCCTGGC; older notation c.2894_2902delGGCCCTGGC).
Protein change: p.Gly965_Pro968delinsAla.
Molecular consequence: inframe indel.
Genome position (GRCh38, 1-based): chr10:48,776,780-48,776,788, GGCCCTGGC deleted. VCF-style (leftmost placement, unchanged base first): chr10-48776779-GGGCCCTGGC-G. GRCh37 (hg19) VCF-style: chr10-49984824-GGGCCCTGGC-G.
Other names: c.2894_2902del, p.Gly965_Pro968delinsAla (NM_001370153.1, NM_020945.2).
Identifiers: ClinVar variation 3045565 (VCV003045565.2), dbSNP rs574411066, ClinGen allele CA5492078.

ClinVar aggregate classification (germline): Likely benign (0 of 4 stars; one submission).

Conditions:
WDFY4-related disorder. Also called: WDFY4-related condition.

Allele frequency attached by ClinVar (database versions not stated): 1000 Genomes Project 30x 0.00094; 1000 Genomes Project 0.00120; TOPMed 0.00183; ExAC 0.00191; gnomAD 0.00209; ESP Exome Variant Server 0.00222; gnomAD exomes 0.00291.

Submission:

PreventionGenetics, part of Exact Sciences
Classification: Likely benign for WDFY4-related condition. Last evaluated: 2022-02-22. Review status: no assertion criteria provided. Collection method: clinical testing. Allele origin: germline.
Comment: This variant is classified as likely benign based on ACMG/AMP sequence variant interpretation guidelines (Richards et al. 2015 PMID: 25741868, with internal and published modifications).